The following is an entry in ClinVar:

NM_000307.5(POU3F4):c.142del (p.Ser48fs)

Gene: POU3F4 (POU class 3 homeobox 4; plus strand). Cytogenetic location: Xq21.1.
Variant type: Deletion.
Coding change: c.142del on transcript NM_000307.5 (MANE Select); coding-DNA position 142, one base deleted (A; older notation c.142delA).
Protein change: p.Ser48fs; shifts the reading frame from serine 48.
Molecular consequence: frameshift variant.
Genome position (GRCh38, 1-based): chrX:83,508,466, A deleted. VCF-style (leftmost placement, unchanged base first): chrX-83508465-CA-C. GRCh37 (hg19) VCF-style: chrX-82763473-CA-C.
Other names: short protein forms S48fs.
Identifiers: ClinVar variation 4292457 (VCV004292457.1).

ClinVar aggregate classification (germline): Likely pathogenic (1 of 4 stars; one submission).

Conditions:
X-linked mixed hearing loss with perilymphatic gusher. Also called: NANCE DEAFNESS; PERILYMPHATIC GUSHER-DEAFNESS SYNDROME; SENSORINEURAL DEAFNESS, PROFOUND, WITH OR WITHOUT A CONDUCTIVE COMPONENT, ASSOCIATED WITH A UNIQUE DEVELOPMENTAL ABNORMALITY OF THE EAR; Deafness, X-linked 2; Gusher syndrome. Identifiers: Orphanet 383, MedGen C1844678, MONDO:0010576, OMIM 304400.

Submission:

3billion
Classification: Likely pathogenic for X-linked mixed hearing loss with perilymphatic gusher. Last evaluated: 2024-08-09. Review status: criteria provided, single submitter. Criteria: ACMG Guidelines, 2015. Collection method: clinical testing. Allele origin: germline. Affected: yes.
Comment: The variant is not observed in the gnomAD v4.0.0 dataset. Predicted Consequence/Location: Frameshift: predicted to result in a loss or disruption of normal protein function through protein truncation. Multiple pathogenic variants are reported in the predicted truncated region. Therefore, this variant is classified as Likely pathogenic according to the recommendation of ACMG/AMP guideline.